The following is an entry in ClinVar:

NM_001134363.3(RBM20):c.3485A>G (p.Tyr1162Cys)

Gene: RBM20 (RNA binding motif protein 20; plus strand). Cytogenetic location: 10q25.2.
Variant type: single nucleotide variant.
Coding change: c.3485A>G on transcript NM_001134363.3 (MANE Select); coding-DNA position 3485, A replaced by G.
Protein change: p.Tyr1162Cys; replaces tyrosine 1162 with cysteine.
Molecular consequence: missense variant.
Genome position (GRCh38, 1-based): chr10:110,831,094, A>G. VCF-style: chr10-110831094-A-G. GRCh37 (hg19) VCF-style: chr10-112590852-A-G.
Other names: short protein forms Y1162C.
Identifiers: ClinVar variation 2449381 (VCV002449381.3), dbSNP rs1845045632, ClinGen allele CA378386475.
Genomic context (GRCh38, chr10:110,831,094, plus strand): 5'-GCGTGTCTATCCCCCATCCTTTCCCAGGGGTGGAGTTCGTGGTTCCCAGGACTGGCTTTT[A>G]TTGCAAGCTGTGTGGGCTGTTCTACACGAGCGAGGAGACAGCAAAGATGAGCCACTGCCG-3'
Protein context (NP_001127835.2, residues 1152-1172): VEFVVPRTGF[Tyr1162Cys]CKLCGLFYTS

ClinVar aggregate classification (germline): Uncertain significance. Review status: criteria provided, multiple submitters, no conflicts (2 of 4 stars). 2 submissions from 2 submitters: Uncertain significance (2). Last evaluated 2025-10-21.

Conditions:
Cardiovascular phenotype. Identifiers: MedGen CN230736.
Dilated cardiomyopathy 1DD (CMD1DD). Identifiers: Orphanet 154, MedGen C2750995, MONDO:0013168, OMIM 613172.

Allele frequency attached by ClinVar (database versions not stated): TOPMed 0.00001.

Submissions (2):

Labcorp Genetics (formerly Invitae), Labcorp
Classification: Uncertain significance for Dilated cardiomyopathy 1DD. Last evaluated: 2025-10-21. Review status: criteria provided, single submitter. Criteria: Invitae Variant Classification Sherloc (09022015). Collection method: clinical testing. Allele origin: germline.
Comment: This sequence change replaces tyrosine, which is neutral and polar, with cysteine, which is neutral and slightly polar, at codon 1162 of the RBM20 protein (p.Tyr1162Cys). This variant is not present in population databases (gnomAD no frequency). This variant has not been reported in the literature in individuals affected with RBM20-related conditions. ClinVar contains an entry for this variant (Variation ID: 2449381). Invitae Evidence Modeling of protein sequence and biophysical properties (such as structural, functional, and spatial information, amino acid conservation, physicochemical variation, residue mobility, and thermodynamic stability) indicates that this missense variant is not expected to disrupt RBM20 protein function with a negative predictive value of 95%. In summary, the available evidence is currently insufficient to determine the role of this variant in disease. Therefore, it has been classified as a Variant of Uncertain Significance.

Ambry Genetics
Classification: Uncertain significance for Cardiovascular phenotype. Last evaluated: 2022-11-19. Review status: criteria provided, single submitter. Criteria: Ambry Variant Classification Scheme 2023. Collection method: clinical testing. Allele origin: germline.
Comment: The p.Y1162C variant (also known as c.3485A>G), located in coding exon 13 of the RBM20 gene, results from an A to G substitution at nucleotide position 3485. The tyrosine at codon 1162 is replaced by cysteine, an amino acid with highly dissimilar properties. This amino acid position is conserved. In addition, this alteration is predicted to be deleterious by in silico analysis. Since supporting evidence is limited at this time, the clinical significance of this alteration remains unclear.